The following is an entry in ClinVar:

ClinVar aggregate classification (germline): Uncertain significance (1 of 4 stars; one submission).

Conditions:
Charcot-Marie-Tooth disease type 2. Also called: Charcot-Marie-Tooth type 2. Identifiers: Orphanet 64746, MedGen C0270914, MONDO:0018993.

Allele frequency attached by ClinVar (database versions not stated): TOPMed below 0.00001.

Submission:

Labcorp Genetics (formerly Invitae), Labcorp
Classification: Uncertain significance for Charcot-Marie-Tooth disease type 2. Last evaluated: 2024-10-17. Review status: criteria provided, single submitter. Criteria: Invitae Variant Classification Sherloc (09022015). Collection method: clinical testing. Allele origin: germline.
Comment: This sequence change replaces leucine, which is neutral and non-polar, with glutamine, which is neutral and polar, at codon 802 of the AARS protein (p.Leu802Gln). This variant is not present in population databases (gnomAD no frequency). This variant has not been reported in the literature in individuals affected with AARS-related conditions. ClinVar contains an entry for this variant (Variation ID: 1682127). Invitae Evidence Modeling of protein sequence and biophysical properties (such as structural, functional, and spatial information, amino acid conservation, physicochemical variation, residue mobility, and thermodynamic stability) indicates that this missense variant is not expected to disrupt AARS protein function with a negative predictive value of 95%. In summary, the available evidence is currently insufficient to determine the role of this variant in disease. Therefore, it has been classified as a Variant of Uncertain Significance.

NM_001605.3(AARS1):c.2405T>A (p.Leu802Gln)

Gene: AARS1 (alanyl-tRNA synthetase 1; minus strand). Cytogenetic location: 16q22.1.
Variant type: single nucleotide variant.
Coding change: c.2405T>A on transcript NM_001605.3 (MANE Select); coding-DNA position 2405, T replaced by A.
Protein change: p.Leu802Gln; replaces leucine 802 with glutamine.
Molecular consequence: missense variant.
Genome position (GRCh38, 1-based): chr16:70,254,034, A>T on the plus strand (T>A on the coding strand, the complement: AARS1 is on the minus strand). VCF-style: chr16-70254034-A-T. GRCh37 (hg19) VCF-style: chr16-70287937-A-T.
Other names: short protein forms L802Q.
Identifiers: ClinVar variation 1682127 (VCV001682127.8), dbSNP rs1959916452, ClinGen allele CA396555498.